The following is an entry in ClinVar:

NM_000512.5(GALNS):c.1259C>G (p.Pro420Arg)

Gene: GALNS (galactosamine (N-acetyl)-6-sulfatase; minus strand). Cytogenetic location: 16q24.3.
Variant type: single nucleotide variant.
Coding change: c.1259C>G on transcript NM_000512.5 (MANE Select); coding-DNA position 1259, C replaced by G.
Protein change: p.Pro420Arg; replaces proline 420 with arginine.
Molecular consequence: missense variant.
Genome position (GRCh38, 1-based): chr16:88,822,694, G>C on the plus strand (C>G on the coding strand, the complement: GALNS is on the minus strand). VCF-style: chr16-88822694-G-C. GRCh37 (hg19) VCF-style: chr16-88889102-G-C.
Other names: p.Pro420Arg; c.704C>G, p.Pro235Arg (NM_001323543.2); c.1277C>G, p.Pro426Arg (NM_001323544.2); short protein forms P235R, P420R, P426R.
Identifiers: ClinVar variation 1048357 (VCV001048357.16), dbSNP rs752937387, ClinGen allele CA397096415.

ClinVar aggregate classification (germline): Conflicting classifications of pathogenicity. Review status: criteria provided, conflicting classifications (1 of 4 stars). 8 submissions from 8 submitters: Pathogenic (3); Likely pathogenic (2); Uncertain significance (1). 2 of the submissions do not count toward it. Last evaluated 2024-08-22.

Conditions:
Morquio syndrome. Also called: Mucopolysaccharidosis type 4; Mucopolysaccharidosis, Type IV; MPS IV; Eccentrochondrodysplasia. Identifiers: Orphanet 582, MedGen C0026707, MONDO:0018938.
Mucopolysaccharidosis, MPS-IV-A (MPS4A). Also called: Mucopolysaccharidosis type IV A; MPS IVA; Mucopolysaccharidosis Type IVA; GALACTOSAMINE-6-SULFATASE DEFICIENCY; GALNS DEFICIENCY; Morquio syndrome A, mild. Identifiers: Orphanet 309297, Orphanet 582, MedGen C0086651, MONDO:0009659, OMIM 253000.
GALNS-related disorders.

gnomAD v4.1: 3 of 1,612,784 alleles (0.00019%); highest among the groups gnomAD compares: South Asian, 0.0033%; no homozygotes.

Submissions (8):

Blueprint Genetics
Classification: Pathogenic for GALNS-related disorders. Last evaluated: 2024-08-22. Review status: criteria provided, single submitter. Criteria: ACMG Guidelines, 2015. Collection method: clinical testing. Allele origin: germline. Affected: yes. Observed: 2 variant alleles.

Women's Health and Genetics/Laboratory Corporation of America, LabCorp
Classification: Pathogenic for Morquio syndrome. Last evaluated: 2024-08-06. Review status: criteria provided, single submitter. Criteria: LabCorp Variant Classification Summary - May 2015. Collection method: clinical testing. Allele origin: germline.
Comment: Variant summary: GALNS c.1259C>G (p.Pro420Arg) results in a non-conservative amino acid change in the encoded protein sequence. Four of five in-silico tools predict a damaging effect of the variant on protein function. The variant was absent in 249952 control chromosomes. c.1259C>G has been reported in the literature in individuals affected with Mucopolysaccharidosis Type IVA (Morquio Syndrome A) in multiple homozygotes or individual(s) without reported genotype (e.g. Morrone_2014, Zanetti_2021, Mansoor_2020). These data indicate that the variant is likely to be associated with disease. At least one publication reports experimental evidence evaluating an impact on protein function. The most pronounced variant effect results in <10% of normal GALNS enzyme activity in a homozygous individual (e.g. Zanetti_2021). The following publications have been ascertained in the context of this evaluation (PMID: 33189153, 24726177, 34387910). ClinVar contains an entry for this variant (Variation ID: 1048357). Based on the evidence outlined above, the variant was classified as pathogenic.

Labcorp Genetics (formerly Invitae), Labcorp
Classification: Pathogenic for Mucopolysaccharidosis, MPS-IV-A. Last evaluated: 2024-03-18. Review status: criteria provided, single submitter. Criteria: Invitae Variant Classification Sherloc (09022015). Collection method: clinical testing. Allele origin: germline.
Comment: This sequence change replaces proline, which is neutral and non-polar, with arginine, which is basic and polar, at codon 420 of the GALNS protein (p.Pro420Arg). This variant is not present in population databases (gnomAD no frequency). This missense change has been observed in individual(s) with mucopolysaccharidosis type IVA (PMID: 24726177, 34387910). ClinVar contains an entry for this variant (Variation ID: 1048357). Advanced modeling of protein sequence and biophysical properties (such as structural, functional, and spatial information, amino acid conservation, physicochemical variation, residue mobility, and thermodynamic stability) performed at Invitae indicates that this missense variant is expected to disrupt GALNS protein function with a positive predictive value of 95%. For these reasons, this variant has been classified as Pathogenic.

3billion
Classification: Likely pathogenic for Mucopolysaccharidosis, MPS-IV-A. Last evaluated: 2023-07-25. Review status: criteria provided, single submitter. Criteria: ACMG Guidelines, 2015. Collection method: clinical testing. Allele origin: germline. Affected: yes.
Comment: The variant is not observed in the gnomAD v2.1.1 dataset. Predicted Consequence/Location: Missense variant In silico tool predictions suggest damaging effect of the variant on gene or gene product (REVEL: 0.93; 3Cnet: 0.65). Same nucleotide change resulting in same amino acid change has been previously reported to be associated with GALNS related disorder (ClinVar ID: VCV001048357 /PMID: 24726177 /3billion dataset).The variant has been reported to be in trans with a pathogenic variant as either compound heterozygous or homozygous in at least one similarly affected unrelated individual (PMID: 34387910 /3billion dataset).The variant has been reported to co-segregate with the disease in at least one similarly affected relative/individual in the same family or similarly affected unrelated family (PMID: 24726177).A different missense change at the same codon (p.Pro420Ser) has been reported to be associated with GALNS-related disorder (PMID: 24120057).However, the evidence of pathogenicity is insufficient at this time. Therefore, this variant is classified as Likely pathogenic according to the recommendation of ACMG/AMP guideline.

Foundation for Research in Genetics and Endocrinology, FRIGE's Institute of Human Genetics
Classification: Likely pathogenic for Mucopolysaccharidosis, MPS-IV-A. Last evaluated: 2022-07-16. Review status: criteria provided, single submitter. Criteria: ACMG Guidelines, 2015. Collection method: clinical testing. Allele origin: germline. Inheritance: Autosomal recessive inheritance. Affected: yes. Observed: 1 homozygote.
Comment: A Homozygous missense variation in exon 12 of the GALNS gene that results in the amino acid substitution of Proline for Argenine at codon 420 was detected. The observed variant c.1259C>G (p.Pro420Arg) has not been reported in the 1000 genomes and genomAD databases. The in silico prediction of the variant is disease causing by LRT , PROVEAN and MutationTaster2. The reference codon is conserved across species. In summary, the variant meets our criteria to be classified as likely pathogenic. In summary, the variant meets our criteria to be classified as likely pathogenic.

Laboratory of Diagnosis and Therapy of Lysosomal Disorders, University of Padova
Classification: Uncertain significance for Mucopolysaccharidosis, MPS-IV-A. Last evaluated: 2021-02-01. Review status: criteria provided, single submitter. Criteria: ACMG Guidelines, 2015. Collection method: research. Allele origin: germline. Affected: yes.
Comment: In vivo functional studies supportive of a damaging effect on the gene product (low to null enzymatic activity in homozygotes; PS3_supporting); absent from gnomAD v2.1.1 (PM2_moderate); multiple lines of computational evidence support a deleterious effect on the gene (PP3_supporting)

Hong-Tao Li Lab, Institute of Brain Science and Brain-inspired Research, Shandong First Medical University & Shandong Academy of Medical Sciences China
Classification: Pathogenic for Mucopolysaccharidosis, MPS-IV-A. Review status: no assertion criteria provided. Collection method: research. Allele origin: germline. Inheritance: Autosomal recessive inheritance. Affected: yes. Observed: 2 variant alleles, 2 homozygotes. Not counted in ClinVar's aggregate classification.
Comment: Observed in affected individuals from a Pakistani neurodevelopmental-disorder research cohort of 263 individuals. Classification assigned using the ACMG/AMP framework.

Molecular Biology Laboratory, Department of Zoology, Quaid-i-azam University
Classification: Uncertain significance for Mucopolysaccharidosis, MPS-IV-A. Review status: no assertion criteria provided. Collection method: research. Allele origin: inherited. Inheritance: Autosomal recessive inheritance. Affected: yes. Not counted in ClinVar's aggregate classification.

Literature cited by the submitters: PubMed 24726177 (cited by 4 submitters); PubMed 34387910 (cited by 4 submitters); PubMed 33189153 (cited by Women's Health and Genetics/Laboratory Corporation of America, LabCorp); PubMed 24120057 (cited by 3billion).